The following is an entry in ClinVar:

NM_002474.3(MYH11):c.5499G>C (p.Glu1833Asp)

Genes: MYH11 (myosin heavy chain 11; minus strand), NDE1 (nudE neurodevelopment protein 1; plus strand). Cytogenetic location: 16p13.11.
Variant type: single nucleotide variant.
Coding change: c.5499G>C on transcript NM_002474.3 (MANE Select); coding-DNA position 5499, G replaced by C.
Protein change: p.Glu1833Asp; replaces glutamic acid 1833 with aspartic acid.
Molecular consequence: missense variant. On other transcripts: intron variant (2).
Genome position (GRCh38, 1-based): chr16:15,717,145, C>G on the plus strand (G>C on the coding strand, the complement: MYH11 is on the minus strand). VCF-style: chr16-15717145-C-G. GRCh37 (hg19) VCF-style: chr16-15811002-C-G.
Other names: p.E1833D:GAG>GAC; c.5520G>C, p.Glu1840Asp (NM_001040113.2, NM_001040114.2); c.5499G>C, p.Glu1833Asp (NM_022844.3); c.948-7046C>G (NM_001143979.2, NM_017668.3); short protein forms E1833D, E1840D.
Identifiers: ClinVar variation 201086 (VCV000201086.111), dbSNP rs145252402, ClinGen allele CA306601.
Genomic context (GRCh38, chr16:15,717,145, plus strand): 5'-TCCTGCTGTCCATCACCCCCCTGCAAACTGGGTTCGGAACTCCACACCCGCATACCTGGC[C>G]TCCTGCTCGACCTGCTCCTCCAGCTGTGCAATCTTGGCCTCCAGCGCCGCGATGGTGGAC-3'
Protein context (NP_002465.1, residues 1823-1843): IAQLEEQVEQ[Glu1833Asp]AREKQAATKS

ClinVar aggregate classification (germline): Conflicting classifications of pathogenicity. Review status: criteria provided, conflicting classifications (1 of 4 stars). 19 submissions from 18 submitters: Uncertain significance (6); Likely benign (8). 5 of the submissions do not count toward it. Last evaluated 2026-01-27.

Conditions:
Aortic aneurysm, familial thoracic 4 (AAT4). Also called: AORTIC ANEURYSM/AORTIC DISSECTION AND PATENT DUCTUS ARTERIOSUS. Identifiers: MedGen C1851504, MONDO:0007568, OMIM 132900.
Visceral myopathy 2. Identifiers: MedGen C5543466, MONDO:0859157, OMIM 619350.
Megacystis-microcolon-intestinal hypoperistalsis syndrome 2. Identifiers: MedGen C5543476, MONDO:0025708, OMIM 619351.
Inborn genetic diseases. Identifiers: MedGen C0950123, MeSH D030342.
Familial thoracic aortic aneurysm and aortic dissection (TAAD). Also called: Thoracic aortic aneurysms and dissections. Identifiers: Orphanet 91387, MedGen C4707243, MONDO:0019625.

Allele frequency attached by ClinVar (database versions not stated): gnomAD 0.00035 and 0.00036; TOPMed 0.00041; ESP Exome Variant Server 0.00054.
gnomAD v4.1: 905 of 1,614,094 alleles (0.056%); highest among the groups gnomAD compares: Non-Finnish European, 0.073%; no homozygotes.

Submissions (19):

Labcorp Genetics (formerly Invitae), Labcorp
Classification: Likely benign for Aortic aneurysm, familial thoracic 4. Last evaluated: 2026-01-27. Review status: criteria provided, single submitter. Criteria: Invitae Variant Classification Sherloc (09022015). Collection method: clinical testing. Allele origin: germline.

Women's Health and Genetics/Laboratory Corporation of America, LabCorp
Classification: Likely benign. Last evaluated: 2025-07-28. Review status: criteria provided, single submitter. Criteria: LabCorp Variant Classification Summary - May 2015. Collection method: clinical testing. Allele origin: germline.
Comment: Variant summary: MYH11 c.5520G>C (p.Glu1840Asp) results in a conservative amino acid change located in the Myosin tail domain (IPR002928) of the encoded protein sequence. Algorithms developed to predict the effect of missense changes on protein structure and function are either unavailable or do not agree on the potential impact of this missense change. The variant allele was found at a frequency of 0.00035 in 251074 control chromosomes, predominantly at a frequency of 0.00068 within the Non-Finnish European subpopulation in the gnomAD database. The observed variant frequency within Non-Finnish European control individuals in the gnomAD database is approximately 544 fold of the estimated maximal expected allele frequency for a pathogenic variant in MYH11 causing Aortopathy phenotype (1.3e-06). c.5520G>C has been reported in the literature in an individual affected with bicuspid aortic valve and thoracic aortic aneurysm, however without evidence for causality (Poninska_2016).. These report does not provide unequivocal conclusions about association of the variant with Aortopathy. To our knowledge, no experimental evidence demonstrating an impact on protein function has been reported. The following publication have been ascertained in the context of this evaluation (PMID: 27146836). ClinVar contains an entry for this variant (Variation ID: 201086). Based on the evidence outlined above, the variant was classified as likely benign.

ARUP Laboratories, Molecular Genetics and Genomics, ARUP Laboratories
Classification: Uncertain significance. Last evaluated: 2024-12-19. Review status: criteria provided, single submitter. Criteria: ARUP Molecular Germline Variant Investigation Process 2024. Collection method: clinical testing. Allele origin: germline.
Comment: The MYH11 c.5499G>C; p.Glu1833Asp variant (rs145252402, ClinVar Variation ID: 201086) is reported in the literature in two individuals affected with thoracic aortic aneurysm and/or dissection (TAAD) (Jensson 2023, Poninska 2016). This variant is found in the general population with an overall allele frequency of 0.04% (99/282476 alleles) in the Genome Aggregation Database (v2.1.1). Computational analyses are uncertain whether this variant is neutral or deleterious (REVEL: 0.586). Due to limited information, the clinical significance of this variant is uncertain at this time. References: Jensson BO et al. Actionable Genotypes and Their Association with Life Span in Iceland. N Engl J Med. 2023 Nov 9;389(19):1741-1752. PMID: 37937776. Poninska JK et al. Next-generation sequencing for diagnosis of thoracic aortic aneurysms and dissections: diagnostic yield, novel mutations and genotype phenotype correlations. J Transl Med. 2016 May 4;14(1):115. PMID: 27146836.

Blueprint Genetics
Classification: Likely benign. Last evaluated: 2024-09-18. Review status: criteria provided, single submitter. Criteria: ACMG Guidelines, 2015. Collection method: clinical testing. Allele origin: germline.

Ambry Genetics
Classification: Uncertain significance for Familial thoracic aortic aneurysm and aortic dissection. Last evaluated: 2024-05-16. Review status: criteria provided, single submitter. Criteria: Ambry Variant Classification Scheme 2023. Collection method: clinical testing. Allele origin: germline.
Comment: The p.E1833D variant (also known as c.5499G>C), located in coding exon 37 of the MYH11 gene, results from a G to C substitution at nucleotide position 5499. The glutamic acid at codon 1833 is replaced by aspartic acid, an amino acid with highly similar properties, and is located in the coiled coil domain. This alteration was detected in an individual reported to have thoracic aortic aneurysm and a bicuspid aortic valve (Poninska JK et al. J Transl Med. 2016;14:115). This amino acid position is highly conserved in available vertebrate species. In addition, the in silico prediction for this alteration is inconclusive. Since supporting evidence is limited at this time, the clinical significance of this alteration remains unclear.

Ambry Genetics
Classification: Likely benign for Inborn genetic diseases. Last evaluated: 2023-08-23. Review status: criteria provided, single submitter. Criteria: Ambry Variant Classification Scheme 2023. Collection method: clinical testing. Allele origin: germline.

CeGaT Center for Human Genetics Tuebingen
Classification: Uncertain significance. Last evaluated: 2023-06-01. Review status: criteria provided, single submitter. Criteria: CeGaT Center For Human Genetics Tuebingen Variant Classification Criteria Version 2. Collection method: clinical testing. Allele origin: germline. Affected: yes. Observed: 8 variant alleles.
Comment: MYH11: PM2

Centre of Medical Genetics, University Hospital Muenster
Classification: Uncertain significance. Last evaluated: 2021-12-21. Review status: criteria provided, single submitter. Criteria: ACMG Guidelines, 2015. Collection method: clinical testing. Allele origin: unknown. Affected: yes. Observed: 1 variant allele, 1 heterozygote.
Comment: ACMG categories: PM2,PP2,PP3,BP1

GeneDx
Classification: Likely benign. Last evaluated: 2021-03-09. Review status: criteria provided, single submitter. Criteria: GeneDx Variant Classification Process June 2021. Collection method: clinical testing. Allele origin: germline. Affected: yes.
Comment: This variant is associated with the following publications: (PMID: 27146836)

Department of Pathology and Laboratory Medicine, Sinai Health System
Classification: Uncertain significance for Aortic aneurysm, familial thoracic 4; Visceral myopathy 2; Megacystis-microcolon-intestinal hypoperistalsis syndrome 2. Last evaluated: 2020-06-01. Review status: criteria provided, single submitter. Criteria: ACMG Guidelines, 2015. Collection method: research. Allele origin: germline.

Color Diagnostics, LLC DBA Color Health
Classification: Likely benign for Familial thoracic aortic aneurysm and aortic dissection. Last evaluated: 2019-11-05. Review status: criteria provided, single submitter. Criteria: ACMG Guidelines, 2015. Collection method: clinical testing. Allele origin: germline.

CHEO Genetics Diagnostic Laboratory, Children's Hospital of Eastern Ontario
Classification: Likely benign for Familial thoracic aortic aneurysm and aortic dissection. Last evaluated: 2019-07-17. Review status: criteria provided, single submitter. Criteria: ACMG Guidelines, 2015. Collection method: clinical testing. Allele origin: germline. Study: Canadian Open Genetics Repository.

Institute of Human Genetics, University of Leipzig Medical Center
Classification: Likely benign for Aortic aneurysm, familial thoracic 4. Last evaluated: 2019-01-01. Review status: criteria provided, single submitter. Criteria: ACMG Guidelines, 2015. Collection method: clinical testing. Allele origin: unknown. Affected: yes.

Baylor Genetics
Classification: Uncertain significance for Aortic aneurysm, familial thoracic 4. Last evaluated: 2018-07-02. Review status: criteria provided, single submitter. Criteria: ACMG Guidelines, 2015. Collection method: clinical testing. Allele origin: unknown. Affected: yes.
Comment: This variant was determined to be of uncertain significance according to ACMG Guidelines, 2015 [PMID:25741868].

Clinical Genetics DNA and cytogenetics Diagnostics Lab, Erasmus MC, Erasmus Medical Center
Classification: Likely benign. Review status: no assertion criteria provided. Collection method: clinical testing. Allele origin: germline. Affected: yes. Study: VKGL Data-share Consensus. Not counted in ClinVar's aggregate classification.

Genome Diagnostics Laboratory, Amsterdam University Medical Center
Classification: Likely benign. Review status: no assertion criteria provided. Collection method: clinical testing. Allele origin: germline. Affected: yes. Study: VKGL Data-share Consensus. Not counted in ClinVar's aggregate classification.

Genome Diagnostics Laboratory, University Medical Center Utrecht
Classification: Likely benign. Review status: no assertion criteria provided. Collection method: clinical testing. Allele origin: germline. Affected: yes. Study: VKGL Data-share Consensus. Not counted in ClinVar's aggregate classification.

Joint Genome Diagnostic Labs from Nijmegen and Maastricht, Radboudumc and MUMC+
Classification: Likely benign. Review status: no assertion criteria provided. Collection method: clinical testing. Allele origin: germline. Affected: yes. Study: VKGL Data-share Consensus. Not counted in ClinVar's aggregate classification.

Laboratory of Diagnostic Genome Analysis, Leiden University Medical Center (LUMC)
Classification: Likely benign. Review status: no assertion criteria provided. Collection method: clinical testing. Allele origin: germline. Affected: yes. Study: VKGL Data-share Consensus. Not counted in ClinVar's aggregate classification.

Literature cited by the submitters: PubMed 27146836 (cited by 3 submitters).